The following is an entry in ClinVar:

ClinVar aggregate classification (germline): Pathogenic (1 of 4 stars; one submission).

Conditions:
Neurofibromatosis, type 1 (NF1). Also called: Neurofibromatosis, type I; VON RECKLINGHAUSEN DISEASE; NEUROFIBROMATOSIS, TYPE I, SOMATIC; Peripheral type neurofibromatosis. Identifiers: Orphanet 636, MedGen C0027831, MONDO:0018975, OMIM 162200. Disease mechanism: loss of function.

Submission:

Labcorp Genetics (formerly Invitae), Labcorp
Classification: Pathogenic for Neurofibromatosis, type 1. Last evaluated: 2023-03-02. Review status: criteria provided, single submitter. Criteria: Invitae Variant Classification Sherloc (09022015). Collection method: clinical testing. Allele origin: germline.
Comment: For these reasons, this variant has been classified as Pathogenic. This variant has not been reported in the literature in individuals affected with NF1-related conditions. This variant is not present in population databases (gnomAD no frequency). This sequence change creates a premature translational stop signal (p.Ser592Lysfs*2) in the NF1 gene. It is expected to result in an absent or disrupted protein product. Loss-of-function variants in NF1 are known to be pathogenic (PMID: 10712197, 23913538).

Literature cited by the submitters: PubMed 10712197; PubMed 23913538.

NM_001042492.3(NF1):c.1774dup (p.Ser592fs)

Gene: NF1 (neurofibromin 1; plus strand). Cytogenetic location: 17q11.2.
Variant type: Duplication.
Coding change: c.1774dup on transcript NM_001042492.3 (MANE Select); coding-DNA position 1774, one base duplicated (A; older notation c.1774dupA).
Protein change: p.Ser592fs; shifts the reading frame from serine 592.
Molecular consequence: frameshift variant.
Genome position (GRCh38, 1-based): chr17:31,223,496, A duplicated. VCF-style (leftmost placement, unchanged base first): chr17-31223495-T-TA. GRCh37 (hg19) VCF-style: chr17-29550513-T-TA.
Other names: c.1774dup, p.Ser592Lysfs (NM_000267.4); short protein forms S592fs.
Identifiers: ClinVar variation 2842020 (VCV002842020.3), dbSNP rs2508125654, ClinGen allele CA2739267502.